The following is an entry in ClinVar:

ClinVar aggregate classification (germline): Uncertain significance. Review status: criteria provided, multiple submitters, no conflicts (2 of 4 stars). 2 submissions from 2 submitters: Uncertain significance (2). Last evaluated 2025-06-11.

gnomAD v4.1: 12 of 1,541,176 alleles (0.00078%); highest among the groups gnomAD compares: Non-Finnish European, 0.001%; no homozygotes.

Submissions (2):

Labcorp Genetics (formerly Invitae), Labcorp
Classification: Uncertain significance. Last evaluated: 2025-06-11. Review status: criteria provided, single submitter. Criteria: Invitae Variant Classification Sherloc (09022015). Collection method: clinical testing. Allele origin: germline.
Comment: This sequence change replaces glycine, which is neutral and non-polar, with arginine, which is basic and polar, at codon 220 of the COMP protein (p.Gly220Arg). This variant is not present in population databases (gnomAD no frequency). This variant has not been reported in the literature in individuals affected with COMP-related conditions. ClinVar contains an entry for this variant (Variation ID: 1485504). Invitae Evidence Modeling of protein sequence and biophysical properties (such as structural, functional, and spatial information, amino acid conservation, physicochemical variation, residue mobility, and thermodynamic stability) indicates that this missense variant is expected to disrupt COMP protein function with a positive predictive value of 80%. In summary, the available evidence is currently insufficient to determine the role of this variant in disease. Therefore, it has been classified as a Variant of Uncertain Significance.

Blueprint Genetics
Classification: Uncertain significance. Last evaluated: 2024-05-27. Review status: criteria provided, single submitter. Criteria: ACMG Guidelines, 2015. Collection method: clinical testing. Allele origin: germline.

NM_000095.3(COMP):c.658G>C (p.Gly220Arg)

Gene: COMP (cartilage oligomeric matrix protein; minus strand). Cytogenetic location: 19p13.11.
Variant type: single nucleotide variant.
Coding change: c.658G>C on transcript NM_000095.3 (MANE Select); coding-DNA position 658, G replaced by C.
Protein change: p.Gly220Arg; replaces glycine 220 with arginine.
Molecular consequence: missense variant.
Genome position (GRCh38, 1-based): chr19:18,788,696, C>G on the plus strand (G>C on the coding strand, the complement: COMP is on the minus strand). VCF-style: chr19-18788696-C-G. GRCh37 (hg19) VCF-style: chr19-18899505-C-G.
Other names: short protein forms G220R.
Identifiers: ClinVar variation 1485504 (VCV001485504.9), dbSNP rs1601057836, ClinGen allele CA404894213.